The following is an entry in ClinVar:

ClinVar aggregate classification (germline): Uncertain significance (1 of 4 stars; one submission).

Submission:

Labcorp Genetics (formerly Invitae), Labcorp
Classification: Uncertain significance. Last evaluated: 2022-09-06. Review status: criteria provided, single submitter. Criteria: Invitae Variant Classification Sherloc (09022015). Collection method: clinical testing. Allele origin: germline.
Comment: In summary, the available evidence is currently insufficient to determine the role of this variant in disease. Therefore, it has been classified as a Variant of Uncertain Significance. Algorithms developed to predict the effect of missense changes on protein structure and function are either unavailable or do not agree on the potential impact of this missense change (SIFT: "Tolerated"; PolyPhen-2: "Possibly Damaging"; Align-GVGD: "Class C0"). This variant has not been reported in the literature in individuals affected with PROM1-related conditions. This variant is not present in population databases (gnomAD no frequency). This sequence change replaces glycine, which is neutral and non-polar, with cysteine, which is neutral and slightly polar, at codon 99 of the PROM1 protein (p.Gly99Cys).

NM_006017.3(PROM1):c.295G>T (p.Gly99Cys)

Gene: PROM1 (prominin 1; minus strand). Cytogenetic location: 4p15.32.
Variant type: single nucleotide variant.
Coding change: c.295G>T on transcript NM_006017.3 (MANE Select); coding-DNA position 295, G replaced by T.
Protein change: p.Gly99Cys; replaces glycine 99 with cysteine.
Molecular consequence: missense variant. On other transcripts: intron variant (7).
Genome position (GRCh38, 1-based): chr4:16,035,743, C>A on the plus strand (G>T on the coding strand, the complement: PROM1 is on the minus strand). VCF-style: chr4-16035743-C-A. GRCh37 (hg19) VCF-style: chr4-16037366-C-A.
Other names: c.295G>T, p.Gly99Cys (NM_001145849.2, NM_001145850.2); c.277-2234G>T (NM_001145848.2, NM_001145852.2, NM_001145847.2 and 4 more transcripts); short protein forms G99C.
Identifiers: ClinVar variation 1999504 (VCV001999504.4), dbSNP rs2530850790, ClinGen allele CA356428554.